The following is an entry in ClinVar:

ClinVar aggregate classification (germline): Benign (1 of 4 stars; one submission).

Allele frequency attached by ClinVar (database versions not stated): 1000 Genomes Project 30x 0.00094; 1000 Genomes Project 0.00120; TOPMed 0.00357; gnomAD 0.00472; gnomAD exomes 0.00621.
gnomAD v4.1: 2,015 of 362,474 alleles (0.56%); highest among the groups gnomAD compares: Non-Finnish European, 0.82%; 10 homozygotes.

Submission:

CeGaT Center for Human Genetics Tuebingen
Classification: Benign. Last evaluated: 2024-07-01. Review status: criteria provided, single submitter. Criteria: CeGaT Center For Human Genetics Tuebingen Variant Classification Criteria Version 2. Collection method: clinical testing. Allele origin: germline. Affected: yes. Observed: 2 variant alleles.
Comment: MEG3: BS1, BS2

NC_000014.9:g.100835004G>A

Gene: MEG3 (maternally expressed 3; plus strand). Cytogenetic location: 14q32.2.
Variant type: single nucleotide variant.
Genome position: GRCh38 VCF-style: chr14-100835004-G-A. GRCh37 (hg19) VCF-style: chr14-101301341-G-A.
Identifiers: ClinVar variation 3239017 (VCV003239017.19), dbSNP rs529861162.
Genomic context (GRCh38, chr14:100,835,004, plus strand): 5'-CAACAGTTGATCCTAACTGAGCACGCCCACGGCCCTGGTCTGGCCTGGGCACCGGCCACC[G>A]TAGCCCATCCCTTGATGGCCTCTGTGTCCCCAGGAGGGCGGGCCGGGGGGTTGCCCAGGG-3'